The following is an entry in ClinVar:

ClinVar aggregate classification (germline): Likely pathogenic. Review status: criteria provided, multiple submitters, no conflicts (2 of 4 stars). 3 submissions from 3 submitters: Likely pathogenic (2). 1 of the submissions does not count toward it. Last evaluated 2025-07-22.

Conditions:
Congenital myasthenic syndrome (CMS). Also called: Congenital Myasthenic Syndromes. Identifiers: Orphanet 590, MedGen C0751882, MeSH D020294, MONDO:0018940.
Congenital myasthenic syndrome 10. Also called: Myasthenia, limb-girdle, familial. Identifiers: Orphanet 590, MedGen C1850792, MONDO:0009690, OMIM 254300.

Allele frequency attached by ClinVar (database versions not stated): ExAC 0.00003.
gnomAD v4.1: 5 of 1,602,228 alleles (0.00031%); highest among the groups gnomAD compares: East Asian, 0.011%; no homozygotes.

Submissions (3):

Women's Health and Genetics/Laboratory Corporation of America, LabCorp
Classification: Likely pathogenic for Congenital myasthenic syndrome. Last evaluated: 2025-07-22. Review status: criteria provided, single submitter. Criteria: LabCorp Variant Classification Summary - May 2015. Collection method: clinical testing. Allele origin: germline.
Comment: Variant summary: DOK7 c.539G>C (p.Gly180Ala) results in a non-conservative amino acid change in the encoded protein sequence. Algorithms developed to predict the effect of missense changes on protein structure and function all suggest that this variant is likely to be disruptive. The variant allele was found at a frequency of 1.2e-05 in 243482 control chromosomes (gnomAD). c.539G>C has been observed in an individual affected with Congenital Myasthenic Syndrome (Beeson_2006). At least one publication reports experimental evidence evaluating an impact on protein function. The most pronounced variant effect results in <10% of normal AChR clustering (Cossins_2012). The following publications have been ascertained in the context of this evaluation (PMID: 16917026, 22661499). ClinVar contains an entry for this variant (Variation ID: 1278). Based on the evidence outlined above, the variant was classified as likely pathogenic.

GeneDx
Classification: Likely pathogenic. Last evaluated: 2024-11-26. Review status: criteria provided, single submitter. Criteria: GeneDx Variant Classification Process June 2021. Collection method: clinical testing. Allele origin: germline. Affected: yes.
Comment: Published functional studies demonstrate that this variant affects the acetylcholine receptor clustering pathway (PMID: 22661499); In silico analysis supports that this missense variant has a deleterious effect on protein structure/function; This variant is associated with the following publications: (PMID: 22661499, 16917026, 20603078, 36579833, 26198629, 20012313)

OMIM
Classification: Pathogenic for MYASTHENIC SYNDROME, CONGENITAL, 10. Last evaluated: 2006-09-29. Review status: no assertion criteria provided. Collection method: literature only. Allele origin: germline. Not counted in ClinVar's aggregate classification.

Literature cited by the submitters: PubMed 22661499 (cited by Women's Health and Genetics/Laboratory Corporation of America, LabCorp); PubMed 16917026 (cited by Women's Health and Genetics/Laboratory Corporation of America, LabCorp and OMIM).

NM_173660.5(DOK7):c.539G>C (p.Gly180Ala)

Genes: DOK7 (docking protein 7; plus strand), LOC126806951 (CDK7 strongly-dependent group 2 enhancer GRCh37_chr4:3486115-3487314; plus strand). Cytogenetic location: 4p16.3.
Variant type: single nucleotide variant.
Coding change: c.539G>C on transcript NM_173660.5 (MANE Select); coding-DNA position 539, G replaced by C.
Protein change: p.Gly180Ala; replaces glycine 180 with alanine.
Molecular consequence: missense variant. On other transcripts: 5 prime UTR variant (1).
Genome position (GRCh38, 1-based): chr4:3,485,545, G>C. VCF-style: chr4-3485545-G-C. GRCh37 (hg19) VCF-style: chr4-3487272-G-C.
Other names: c.539G>C (NM_173660.4); c.528G>C, p.Trp176Cys (NM_001164673.2); c.-392G>C (NM_001256896.2); c.539G>C, p.Gly180Ala (NM_001301071.2); c.107G>C, p.Gly36Ala (NM_001363811.2); short protein forms G180A, G36A, W176C.
Identifiers: ClinVar variation 1278 (VCV000001278.6), dbSNP rs118203994, ClinGen allele CA251738.
Genomic context (GRCh38, chr4:3,485,545, plus strand): 5'-GGTCCCCAGCCCGCCCTCGGGCCAGACTGACCTGTCTCTGTCCTTCCTCTGCAGGGGCTG[G>C]CGTCTTCTTCCTGTCCTCGGCCGAGGGGGAGCAGATCAGCTTCCTGTTCGACTGCATCGT-3'
Protein context (NP_775931.3, residues 170-190): EGGTRCGYWA[Gly180Ala]VFFLSSAEGE